The following is an entry in ClinVar:

ClinVar aggregate classification (germline): Uncertain significance (1 of 4 stars; one submission).

Conditions:
Familial thoracic aortic aneurysm and aortic dissection (TAAD). Also called: Thoracic aortic aneurysms and dissections. Identifiers: Orphanet 91387, MedGen C4707243, MONDO:0019625.
Marfan syndrome (MFS). Also called: MARFAN SYNDROME, TYPE I; Marfan syndrome type 1; Marfan's syndrome; Marfan syndrome, classic; FBN1-Related Marfan Syndrome. Identifiers: Orphanet 284963, Orphanet 558, MedGen C0024796, MONDO:0007947, OMIM 154700.

Submission:

Labcorp Genetics (formerly Invitae), Labcorp
Classification: Uncertain significance for Marfan syndrome; Familial thoracic aortic aneurysm and aortic dissection. Last evaluated: 2022-01-18. Review status: criteria provided, single submitter. Criteria: Invitae Variant Classification Sherloc (09022015). Collection method: clinical testing. Allele origin: germline.
Comment: In summary, the available evidence is currently insufficient to determine the role of this variant in disease. Therefore, it has been classified as a Variant of Uncertain Significance. Variants that disrupt the consensus splice site are a relatively common cause of aberrant splicing (PMID: 17576681, 9536098). Algorithms developed to predict the effect of sequence changes on RNA splicing suggest that this variant may disrupt the consensus splice site. This variant has been observed in individual(s) with Marfan syndrome (Invitae). This variant is not present in population databases (gnomAD no frequency). This sequence change falls in intron 57 of the FBN1 gene. It does not directly change the encoded amino acid sequence of the FBN1 protein. It affects a nucleotide within the consensus splice site.

Literature cited by the submitters: PubMed 17576681; PubMed 9536098.

NM_000138.5(FBN1):c.6997+5dup

Gene: FBN1 (fibrillin 1; minus strand). Cytogenetic location: 15q21.1.
Variant type: Duplication.
Coding change: c.6997+5dup on transcript NM_000138.5 (MANE Select); 5 bases into the intron after coding-DNA position 6997, one base duplicated (G; older notation c.6997+5dupG).
Molecular consequence: intron variant.
Genome position (GRCh38, 1-based): chr15:48,428,341, C duplicated on the plus strand (G on the coding strand, the reverse complement: FBN1 is on the minus strand). VCF-style (leftmost placement, unchanged base first): chr15-48428340-A-AC. GRCh37 (hg19) VCF-style: chr15-48720537-A-AC.
Identifiers: ClinVar variation 2075265 (VCV002075265.4), dbSNP rs2505414831, ClinGen allele CA2580089687.
Genomic context (GRCh38, chr15:48,428,340, plus strand): 5'-GTCTGGGTTTCCAGCATCCCAGTGTGGAGGCTGAGGTTAGGAAAGTGCGGTGCCAACTGT[A>AC]CTCACCAAGGCACTCGTCCTGGTTGGGGCTGGCGGTAAACCCATCATTACACTCACAGGT-3'